The following is an entry in ClinVar:

NM_000254.3(MTR):c.3406-2A>G

Gene: MTR (5-methyltetrahydrofolate-homocysteine methyltransferase; plus strand). Cytogenetic location: 1q43.
Variant type: single nucleotide variant.
Coding change: c.3406-2A>G on transcript NM_000254.3 (MANE Select); the canonical splice acceptor site of the intron before coding-DNA position 3406, A replaced by G.
Molecular consequence: splice acceptor variant.
Genome position (GRCh38, 1-based): chr1:236,895,356, A>G. VCF-style: chr1-236895356-A-G. GRCh37 (hg19) VCF-style: chr1-237058656-A-G.
Other names: c.3253-2A>G (NM_001291939.1); c.3217-2A>G (NM_001410942.1); c.2185-2A>G (NM_001291940.2).
Identifiers: ClinVar variation 2860391 (VCV002860391.3), dbSNP rs915986128, ClinGen allele CA39766775.

ClinVar aggregate classification (germline): Likely pathogenic (1 of 4 stars; one submission).

Conditions:
Methylcobalamin deficiency type cblG (HMAG). Also called: Functional methionine synthase deficiency type cblG; HOMOCYSTINURIA-MEGALOBLASTIC ANEMIA DUE TO DEFECT IN COBALAMIN METABOLISM, cblG COMPLEMENTATION TYPE; HOMOCYSTINURIA-MEGALOBLASTIC ANEMIA, cblG TYPE; HOMOCYSTINURIA-MEGALOBLASTIC ANEMIA, cblG COMPLEMENTATION TYPE. Identifiers: Orphanet 2170, Orphanet 622, MedGen C1855128, MONDO:0009609, OMIM 250940.

Allele frequency attached by ClinVar (database versions not stated): gnomAD exomes below 0.00001.
gnomAD v4.1: 5 of 1,592,142 alleles (0.00031%); highest among the groups gnomAD compares: Non-Finnish European, 0.00026%; no homozygotes.

Submission:

Labcorp Genetics (formerly Invitae), Labcorp
Classification: Likely pathogenic for Methylcobalamin deficiency type cblG. Last evaluated: 2023-12-06. Review status: criteria provided, single submitter. Criteria: Invitae Variant Classification Sherloc (09022015). Collection method: clinical testing. Allele origin: germline.
Comment: This sequence change affects an acceptor splice site in intron 30 of the MTR gene. It is expected to disrupt RNA splicing. Variants that disrupt the donor or acceptor splice site typically lead to a loss of protein function (PMID: 16199547), and loss-of-function variants in MTR are known to be pathogenic (PMID: 9683607, 12068375). This variant is present in population databases (no rsID available, gnomAD 0.01%). This variant has not been reported in the literature in individuals affected with MTR-related conditions. Algorithms developed to predict the effect of sequence changes on RNA splicing suggest that this variant may disrupt the consensus splice site. In summary, the currently available evidence indicates that the variant is pathogenic, but additional data are needed to prove that conclusively. Therefore, this variant has been classified as Likely Pathogenic.

Literature cited by the submitters: PubMed 16199547; PubMed 9683607; PubMed 12068375.